The following is an entry in ClinVar:

NM_002458.3(MUC5B):c.3427G>A (p.Val1143Met)

Gene: MUC5B (mucin 5B, oligomeric mucus/gel-forming; plus strand). Cytogenetic location: 11p15.5.
Variant type: single nucleotide variant.
Coding change: c.3427G>A on transcript NM_002458.3 (MANE Select); coding-DNA position 3427, G replaced by A.
Protein change: p.Val1143Met; replaces valine 1143 with methionine.
Molecular consequence: missense variant.
Genome position (GRCh38, 1-based): chr11:1,239,000, G>A. VCF-style: chr11-1239000-G-A. GRCh37 (hg19) VCF-style: chr11-1260230-G-A.
Other names: short protein forms V1143M.
Identifiers: ClinVar variation 2288491 (VCV002288491.3), dbSNP rs373628456, ClinGen allele CA217010269.

ClinVar aggregate classification (germline): Uncertain significance (1 of 4 stars; one submission).

Allele frequency attached by ClinVar (database versions not stated): gnomAD exomes below 0.00001; TOPMed 0.00002; gnomAD 0.00001.
gnomAD v4.1: 4 of 1,573,004 alleles (0.00025%); highest among the groups gnomAD compares: African/African-American, 0.0027%; no homozygotes.

Submission:

Ambry Genetics
Classification: Uncertain significance. Last evaluated: 2025-11-03. Review status: criteria provided, single submitter. Criteria: Ambry Variant Classification Scheme 2023. Collection method: clinical testing. Allele origin: germline.
Comment: The c.3427G>A (p.V1143M) alteration is located in exon 26 (coding exon 26) of the MUC5B gene. This alteration results from a G to A substitution at nucleotide position 3427, causing the valine (V) at amino acid position 1143 to be replaced by a methionine (M). Based on data from gnomAD, the A allele has an overall frequency of 0.001% (2/183640) total alleles studied. The highest observed frequency was 0.004% (1/27622) of Latino alleles. Based on insufficient or conflicting evidence, the clinical significance of this alteration remains unclear.